The following is an entry in ClinVar:

ClinVar aggregate classification (germline): Likely benign (1 of 4 stars; one submission).

Submission:

CeGaT Center for Human Genetics Tuebingen
Classification: Likely benign. Last evaluated: 2023-04-01. Review status: criteria provided, single submitter. Criteria: CeGaT Center For Human Genetics Tuebingen Variant Classification Criteria Version 2. Collection method: clinical testing. Allele origin: germline. Affected: yes. Observed: 1 variant allele.
Comment: FAM230A: BP4, BP7

NC_000022.11:g.20354869C>A

Variant type: single nucleotide variant.
Genome position: GRCh38 VCF-style: chr22-20354869-C-A. GRCh37 (hg19) VCF-style: chr22-20709159-C-A.
Identifiers: ClinVar variation 2652890 (VCV002652890.24), dbSNP rs867288492, ClinGen allele CA322159727.
Genomic context (GRCh38, chr22:20,354,869, plus strand): 5'-GGACGCCGCCCACGGCATCGCAAACGAGGACGCAGCCCAGGACATCGCAAACGAGGACGC[C>A]GCCCAGGACATCGCAAACGAGGACGCCGCCCAGGGCATCTCTAAGGAGGACGCCGTCCAG-3'